The following is an entry in ClinVar:

ClinVar aggregate classification (germline): Uncertain significance. Review status: criteria provided, multiple submitters, no conflicts (2 of 4 stars). 2 submissions from 2 submitters: Uncertain significance (2). Last evaluated 2023-08-04.

Conditions:
Neutropenia, severe congenital, 1, autosomal dominant. Identifiers: MedGen C1859966, MONDO:0042490, OMIM 202700.
Cyclical neutropenia. Also called: Cyclic hematopoiesis; Cyclic Neutropenia. Identifiers: Orphanet 2686, MedGen C0221023, MONDO:0008090, OMIM 162800, HP:0040289. Disease mechanism: loss of function.

Allele frequency attached by ClinVar (database versions not stated): gnomAD exomes 0.00001; ExAC 0.00002; gnomAD 0.00002; TOPMed 0.00003; ESP Exome Variant Server 0.00008.
gnomAD v4.1: 4 of 1,601,474 alleles (0.00025%); highest among the groups gnomAD compares: African/African-American, 0.004%; no homozygotes.

Submissions (2):

Labcorp Genetics (formerly Invitae), Labcorp
Classification: Uncertain significance for Neutropenia, severe congenital, 1, autosomal dominant; Cyclical neutropenia. Last evaluated: 2023-08-04. Review status: criteria provided, single submitter. Criteria: Invitae Variant Classification Sherloc (09022015). Collection method: clinical testing. Allele origin: germline.
Comment: In summary, the available evidence is currently insufficient to determine the role of this variant in disease. Therefore, it has been classified as a Variant of Uncertain Significance. This sequence change replaces alanine, which is neutral and non-polar, with valine, which is neutral and non-polar, at codon 136 of the ELANE protein (p.Ala136Val). The frequency data for this variant in the population databases is considered unreliable, as metrics indicate poor data quality at this position in the gnomAD database. This variant has not been reported in the literature in individuals affected with ELANE-related conditions. ClinVar contains an entry for this variant (Variation ID: 242280). Advanced modeling of protein sequence and biophysical properties (such as structural, functional, and spatial information, amino acid conservation, physicochemical variation, residue mobility, and thermodynamic stability) performed at Invitae indicates that this missense variant is not expected to disrupt ELANE protein function.

GeneDx
Classification: Uncertain significance. Last evaluated: 2015-11-13. Review status: criteria provided, single submitter. Criteria: GeneDx Variant Classification (06012015). Collection method: clinical testing. Allele origin: germline. Affected: yes.
Comment: The A136V variant has not been published as a pathogenic variant, nor has it been reported as a benign variant to our knowledge. The NHLBI Exome Sequencing Project reports A136V was observed in 1 in 4400 (0.023%) alleles from individuals of African American background, indicating it may be a rare variant in this population. The A136V variant is a conservative amino acid substitution, which is not likely to impact secondary protein structure as these residues share similar properties. Yet, this substitution occurs at a position that is conserved within the Peptidase S1 protein domain and in silico analysis is inconsistent in its predictions as to whether or not the variant is damaging to the protein structure/function. Therefore, based on the currently available information, it is unclear whether this variant is a pathogenic variant or a rare benign variant.

NM_001972.4(ELANE):c.407C>T (p.Ala136Val)

Gene: ELANE (elastase, neutrophil expressed; plus strand). Cytogenetic location: 19p13.3.
Variant type: single nucleotide variant.
Coding change: c.407C>T on transcript NM_001972.4 (MANE Select); coding-DNA position 407, C replaced by T.
Protein change: p.Ala136Val; replaces alanine 136 with valine.
Molecular consequence: missense variant.
Genome position (GRCh38, 1-based): chr19:855,604, C>T. VCF-style: chr19-855604-C-T. GRCh37 (hg19) VCF-style: chr19-855604-C-T.
Other names: c.407C>T (LRG_57t1); short protein forms A136V.
Identifiers: ClinVar variation 242280 (VCV000242280.10), dbSNP rs145175658, ClinGen allele CA9026048.